The following is an entry in ClinVar:

ClinVar aggregate classification (germline): Uncertain significance (1 of 4 stars; one submission).

Conditions:
PJVK-related disorder. Also called: PJVK-related condition.

gnomAD v4.1: 2 of 1,613,890 alleles (0.00012%); highest among the groups gnomAD compares: Non-Finnish European, 0.00017%; no homozygotes.

Submission:

PreventionGenetics, part of Exact Sciences
Classification: Uncertain significance for PJVK-related condition. Last evaluated: 2025-03-13. Review status: criteria provided, single submitter. Criteria: ACMG Guidelines, 2015. Collection method: clinical testing. Allele origin: germline.
Comment: The PJVK c.358A>G variant is predicted to result in the amino acid substitution p.Thr120Ala. To our knowledge, this variant has not been reported in the literature. This variant is reported in 0.00088% of alleles in individuals of European (Non-Finnish) descent in gnomAD. At this time, the clinical significance of this variant is uncertain due to the absence of conclusive functional and genetic evidence.

NM_001042702.5(PJVK):c.358A>G (p.Thr120Ala)

Gene: PJVK (pejvakin; plus strand). Cytogenetic location: 2q31.2.
Variant type: single nucleotide variant.
Coding change: c.358A>G on transcript NM_001042702.5 (MANE Select); coding-DNA position 358, A replaced by G.
Protein change: p.Thr120Ala; replaces threonine 120 with alanine.
Molecular consequence: missense variant. On other transcripts: 5 prime UTR variant (2).
Genome position (GRCh38, 1-based): chr2:178,454,478, A>G. VCF-style: chr2-178454478-A-G. GRCh37 (hg19) VCF-style: chr2-179319205-A-G.
Other names: c.367A>G, p.Thr123Ala (NM_001353775.2); c.463A>G, p.Thr155Ala (NM_001353776.2); c.-120A>G (NM_001353777.1, NM_001353778.2); c.358A>G, p.Thr120Ala (NM_001369912.1); short protein forms T123A, T155A, T120A.
Identifiers: ClinVar variation 4987914 (VCV004987914.1).